The following is an entry in ClinVar:

NM_001276345.2(TNNT2):c.369G>C (p.Arg123Ser)

Gene: TNNT2 (troponin T2, cardiac type; minus strand). Cytogenetic location: 1q32.1.
Variant type: single nucleotide variant.
Coding change: c.369G>C on transcript NM_001276345.2 (MANE Select); coding-DNA position 369, G replaced by C.
Protein change: p.Arg123Ser; replaces arginine 123 with serine.
Molecular consequence: missense variant. On other transcripts: intron variant (1).
Genome position (GRCh38, 1-based): chr1:201,365,233, C>G on the plus strand (G>C on the coding strand, the complement: TNNT2 is on the minus strand). VCF-style: chr1-201365233-C-G. GRCh37 (hg19) VCF-style: chr1-201334361-C-G.
Other names: c.369G>C, p.Arg123Ser (NM_000364.4); c.339G>C, p.Arg113Ser (NM_001001430.3, NM_001001431.3, NM_001276347.2); c.324G>C, p.Arg108Ser (NM_001001432.3); c.291+377G>C (NM_001276346.2); short protein forms R108S, R113S, R123S.
Identifiers: ClinVar variation 1005011 (VCV001005011.8), dbSNP rs1558230929, ClinGen allele CA344206325.

ClinVar aggregate classification (germline): Uncertain significance (1 of 4 stars; one submission).

Conditions:
Hypertrophic cardiomyopathy 2. Also called: TNNT2-Related Familial Hypertrophic Cardiomyopathy. Identifiers: MedGen C1861864, MONDO:0007266, OMIM 115195.
Cardiomyopathy, familial restrictive, 3. Identifiers: Orphanet 75249, MedGen C2676271, MONDO:0012900, OMIM 612422.
Dilated cardiomyopathy 1D. Identifiers: Orphanet 154, Orphanet 54260, MedGen C1832243, MONDO:0011095, OMIM 601494.

Submission:

Labcorp Genetics (formerly Invitae), Labcorp
Classification: Uncertain significance for Cardiomyopathy, familial restrictive, 3; Hypertrophic cardiomyopathy 2; Dilated cardiomyopathy 1D. Last evaluated: 2020-09-09. Review status: criteria provided, single submitter. Criteria: Invitae Variant Classification Sherloc (09022015). Collection method: clinical testing. Allele origin: germline.
Comment: In summary, the available evidence is currently insufficient to determine the role of this variant in disease. Therefore, it has been classified as a Variant of Uncertain Significance. Algorithms developed to predict the effect of missense changes on protein structure and function (SIFT, PolyPhen-2, Align-GVGD) all suggest that this variant is likely to be disruptive, but these predictions have not been confirmed by published functional studies and their clinical significance is uncertain. This variant has not been reported in the literature in individuals with TNNT2-related conditions. This variant is not present in population databases (ExAC no frequency). This sequence change replaces arginine with serine at codon 113 of the TNNT2 protein (p.Arg113Ser). The arginine residue is highly conserved and there is a moderate physicochemical difference between arginine and serine.